The following is an entry in ClinVar:

NM_006767.4(LZTR1):c.1759G>T (p.Ala587Ser)

Gene: LZTR1 (leucine zipper like post translational regulator 1; plus strand). Cytogenetic location: 22q11.21.
Variant type: single nucleotide variant.
Coding change: c.1759G>T on transcript NM_006767.4 (MANE Select); coding-DNA position 1759, G replaced by T.
Protein change: p.Ala587Ser; replaces alanine 587 with serine.
Molecular consequence: missense variant.
Genome position (GRCh38, 1-based): chr22:20,994,701, G>T. VCF-style: chr22-20994701-G-T. GRCh37 (hg19) VCF-style: chr22-21348990-G-T.
Other names: short protein forms A587S.
Identifiers: ClinVar variation 4806716 (VCV004806716.1).
Genomic context (GRCh38, chr22:20,994,701, plus strand): 5'-CGCCAGTACATCGAGGCCTCCGTGGACCTGCAGAACGTGCTGGTTGTGTGCGAGAGTGCC[G>T]CCCGGCTGCAGCTGAGCCAACTCAAGGTGTGGGGTGGGGTCAGCGCAATCAGGGTTGGGT-3'
Protein context (NP_006758.2, residues 577-597): QNVLVVCESA[Ala587Ser]RLQLSQLKEH

ClinVar aggregate classification (germline): Uncertain significance (1 of 4 stars; one submission).

gnomAD v4.1: 1 of 1,612,186 alleles (0.000062%); highest among the groups gnomAD compares: Non-Finnish European, 0.000085%; no homozygotes.

Submission:

Labcorp Genetics (formerly Invitae), Labcorp
Classification: Uncertain significance. Last evaluated: 2026-01-05. Review status: criteria provided, single submitter. Criteria: Invitae Variant Classification Sherloc (09022015). Collection method: clinical testing. Allele origin: germline.
Comment: This sequence change replaces alanine, which is neutral and non-polar, with serine, which is neutral and polar, at codon 587 of the LZTR1 protein (p.Ala587Ser). This variant is not present in population databases (gnomAD no frequency). This variant has not been reported in the literature in individuals affected with LZTR1-related conditions. Invitae Evidence Modeling of protein sequence and biophysical properties (such as structural, functional, and spatial information, amino acid conservation, physicochemical variation, residue mobility, and thermodynamic stability) indicates that this missense variant is not expected to disrupt LZTR1 protein function with a negative predictive value of 80%. In summary, the available evidence is currently insufficient to determine the role of this variant in disease. Therefore, it has been classified as a Variant of Uncertain Significance.